The following is an entry in ClinVar:

ClinVar aggregate classification (germline): Uncertain significance (1 of 4 stars; one submission).

Conditions:
Familial hypercholesterolemia. Also called: Familial hypercholesterolaemia. Identifiers: MedGen C0020445, MONDO:0005439.

Submission:

Color Diagnostics, LLC DBA Color Health
Classification: Uncertain significance for Familial hypercholesterolemia. Last evaluated: 2025-07-20. Review status: criteria provided, single submitter. Criteria: ACMG Guidelines, 2015. Collection method: clinical testing. Allele origin: germline.
Comment: This missense variant replaces histidine with glutamine at codon 574 of the PCSK9 protein. Computational prediction suggests that this variant may not impact protein structure and function. To our knowledge, functional studies have not been reported for this variant. This variant has not been reported in individuals affected with PCSK9-related disorders in the literature. This variant has not been identified in the general population by the Genome Aggregation Database (gnomAD). The available evidence is insufficient to determine the role of this variant in disease conclusively. Therefore, this variant is classified as a Variant of Uncertain Significance.

NM_174936.4(PCSK9):c.1722C>G (p.His574Gln)

Gene: PCSK9 (proprotein convertase subtilisin/kexin type 9; plus strand). Cytogenetic location: 1p32.3.
Variant type: single nucleotide variant.
Coding change: c.1722C>G on transcript NM_174936.4 (MANE Select); coding-DNA position 1722, C replaced by G.
Protein change: p.His574Gln; replaces histidine 574 with glutamine.
Molecular consequence: missense variant. On other transcripts: non-coding transcript variant (8).
Genome position (GRCh38, 1-based): chr1:55,061,415, C>G. VCF-style: chr1-55061415-C-G. GRCh37 (hg19) VCF-style: chr1-55527088-C-G.
Other names: c.1845C>G, p.His615Gln (NM_001407240.1); c.1764C>G, p.His588Gln (NM_001407241.1); c.1725C>G, p.His575Gln (NM_001407242.1); c.1665C>G, p.His555Gln (NM_001407243.1); c.1548C>G, p.His516Gln (NM_001407244.1); c.1530C>G, p.His510Gln (NM_001407245.1); c.1347C>G, p.His449Gln (NM_001407246.1); c.1221C>G, p.His407Gln (NM_001407247.1); short protein forms H407Q, H449Q, H510Q, H516Q, H555Q, H574Q, H575Q, H588Q.
Identifiers: ClinVar variation 4758556 (VCV004758556.1).